The following is an entry in ClinVar:

ClinVar aggregate classification (germline): Conflicting classifications of pathogenicity. Review status: criteria provided, conflicting classifications (1 of 4 stars). 3 submissions from 3 submitters: Uncertain significance (2); Likely benign (1). Last evaluated 2026-03-31.

Conditions:
Inborn genetic diseases. Identifiers: MedGen C0950123, MeSH D030342.
Houge-Janssens syndrome 1. Also called: Hogue-Janssens syndrome 1; INTELLECTUAL DEVELOPMENTAL DISORDER, AUTOSOMAL DOMINANT 35; PPP2R5D-Related Neurodevelopmental Disorder; Intellectual disability-macrocephaly-hypotonia-behavioral abnormalities syndrome. Identifiers: Orphanet 457279, MedGen C5779996, MONDO:0014602, OMIM 616355.

Allele frequency attached by ClinVar (database versions not stated): gnomAD 0.00001; ESP Exome Variant Server 0.00008; TOPMed 0.00002; gnomAD exomes 0.00001.
gnomAD v4.1: 40 of 1,613,998 alleles (0.0025%); highest among the groups gnomAD compares: Non-Finnish European, 0.0033%; no homozygotes.

Submissions (3):

Ambry Genetics
Classification: Uncertain significance for Inborn genetic diseases. Last evaluated: 2026-03-31. Review status: criteria provided, single submitter. Criteria: Ambry Variant Classification Scheme 2023. Collection method: clinical testing. Allele origin: germline.

Labcorp Genetics (formerly Invitae), Labcorp
Classification: Uncertain significance. Last evaluated: 2023-12-16. Review status: criteria provided, single submitter. Criteria: Invitae Variant Classification Sherloc (09022015). Collection method: clinical testing. Allele origin: germline.
Comment: This sequence change replaces phenylalanine, which is neutral and non-polar, with leucine, which is neutral and non-polar, at codon 473 of the PPP2R5D protein (p.Phe473Leu). This variant is present in population databases (rs375663526, gnomAD 0.003%). This missense change has been observed in individual(s) with clinical features of PPP2R5D-related disorders (PMID: 36216457). ClinVar contains an entry for this variant (Variation ID: 984890). An algorithm developed to predict the effect of missense changes on protein structure and function (PolyPhen-2) suggests that this variant is likely to be disruptive. Experimental studies have shown that this missense change does not substantially affect PPP2R5D function (PMID: 36216457). In summary, the available evidence is currently insufficient to determine the role of this variant in disease. Therefore, it has been classified as a Variant of Uncertain Significance.

GeneDx
Classification: Likely benign. Last evaluated: 2019-11-27. Review status: criteria provided, single submitter. Criteria: GeneDx Variant Classification Process June 2021. Collection method: clinical testing. Allele origin: germline. Affected: yes.

Literature cited by the submitters: PubMed 36216457 (cited by Labcorp Genetics (formerly Invitae), Labcorp).

NM_006245.4(PPP2R5D):c.1419T>G (p.Phe473Leu)

Gene: PPP2R5D (protein phosphatase 2 regulatory subunit B'delta; plus strand). Cytogenetic location: 6p21.1.
Variant type: single nucleotide variant.
Coding change: c.1419T>G on transcript NM_006245.4 (MANE Select); coding-DNA position 1419, T replaced by G.
Protein change: p.Phe473Leu; replaces phenylalanine 473 with leucine.
Molecular consequence: missense variant.
Genome position (GRCh38, 1-based): chr6:43,010,507, T>G. VCF-style: chr6-43010507-T-G. GRCh37 (hg19) VCF-style: chr6-42978245-T-G.
Other names: c.966T>G, p.Phe322Leu (NM_001270476.2); c.1323T>G, p.Phe441Leu (NM_180976.3); c.1101T>G, p.Phe367Leu (NM_180977.3); c.1419T>G (NM_006245.2); short protein forms F322L, F367L, F441L, F473L.
Identifiers: ClinVar variation 984890 (VCV000984890.12), dbSNP rs375663526, ClinGen allele CA138213032.